The following is an entry in ClinVar:

ClinVar aggregate classification (germline): Pathogenic (1 of 4 stars; one submission).

Conditions:
Hereditary diffuse gastric adenocarcinoma (HDGC). Also called: DIFFUSE GASTRIC AND LOBULAR BREAST CANCER SYNDROME. Identifiers: Orphanet 26106, MedGen C1708349, MONDO:0007648, OMIM 137215.

Submission:

Labcorp Genetics (formerly Invitae), Labcorp
Classification: Pathogenic for Hereditary diffuse gastric adenocarcinoma. Last evaluated: 2020-09-28. Review status: criteria provided, single submitter. Criteria: Invitae Variant Classification Sherloc (09022015). Collection method: clinical testing. Allele origin: germline.
Comment: This sequence change creates a premature translational stop signal (p.Thr539Metfs*18) in the CDH1 gene. It is expected to result in an absent or disrupted protein product. This variant is not present in population databases (ExAC no frequency). This variant has not been reported in the literature in individuals with CDH1-related conditions. Loss-of-function variants in CDH1 are known to be pathogenic (PMID: 15235021, 20373070). For these reasons, this variant has been classified as Pathogenic.

Literature cited by the submitters: PubMed 15235021; PubMed 20373070.

NM_004360.5(CDH1):c.1616del (p.Thr539fs)

Gene: CDH1 (cadherin 1; plus strand). Cytogenetic location: 16q22.1.
Variant type: Deletion.
Coding change: c.1616del on transcript NM_004360.5 (MANE Select); coding-DNA position 1616, one base deleted (C; older notation c.1616delC).
Protein change: p.Thr539fs; shifts the reading frame from threonine 539.
Molecular consequence: frameshift variant. On other transcripts: intron variant (1).
Genome position (GRCh38, 1-based): chr16:68,819,330, C deleted. VCF-style (leftmost placement, unchanged base first): chr16-68819329-AC-A. GRCh37 (hg19) VCF-style: chr16-68853232-AC-A.
Other names: c.1433del, p.Thr478fs (NM_001317184.2); c.68del, p.Thr23fs (NM_001317185.2); c.-254-2671del (NM_001317186.2); short protein forms T23fs, T478fs, T539fs.
Identifiers: ClinVar variation 1070687 (VCV001070687.7), dbSNP rs2152136838, ClinGen allele CA2499223664.
Genomic context (GRCh38, chr16:68,819,329, plus strand): 5'-TCCCCGTTCAGATATCGGATTTGGAGAGACACTGCCAACTGGCTGGAGATTAATCCGGAC[AC>A]TGGTGCCATTTCCACTCGGGCTGAGCTGGACAGGGAGGATTTTGAGCACGTGAAGAACAG-3'